The following is an entry in ClinVar:

NM_000535.7(PMS2):c.375C>A (p.Cys125Ter)

Gene: PMS2 (PMS1 homolog 2, mismatch repair system component; minus strand). Cytogenetic location: 7p22.1.
Variant type: single nucleotide variant.
Coding change: c.375C>A on transcript NM_000535.7 (MANE Select); coding-DNA position 375, C replaced by A.
Protein change: p.Cys125Ter; replaces cysteine 125 with a stop codon.
Molecular consequence: nonsense. On other transcripts: 5 prime UTR variant (8), non-coding transcript variant (1).
Genome position (GRCh38, 1-based): chr7:6,002,615, G>T on the plus strand (C>A on the coding strand, the complement: PMS2 is on the minus strand). VCF-style: chr7-6002615-G-T. GRCh37 (hg19) VCF-style: chr7-6042246-G-T.
Other names: c.-31C>A (NM_001322003.2, NM_001322004.2, NM_001322005.2 and 3 more transcripts); c.375C>A, p.Cys125Ter (NM_001322006.2, NM_001322014.2); c.57C>A, p.Cys19Ter (NM_001322007.2, NM_001322008.2); c.-510C>A (NM_001322011.2, NM_001322012.2); c.66C>A, p.Cys22Ter (NM_001322015.2); short protein forms C125*, C19*, C22*.
Identifiers: ClinVar variation 619890 (VCV000619890.3), dbSNP rs1562690527, ClinGen allele CA366744474.
Genomic context (GRCh38, chr7:6,002,615, plus strand): 5'-CTGGATAATTTTCCCATTGTGATCAAACATCAGTCGAGTTCCAACCTTCGCCGATGCGTG[G>T]CAGGTAGAAATGGTGACATCGCTGTGAGAGAATACCAGGCATGGTGTGTTCAGTGAGAGA-3'

ClinVar aggregate classification (germline): Pathogenic/Likely pathogenic. Review status: criteria provided, multiple submitters, no conflicts (2 of 4 stars). 2 submissions from 2 submitters: Pathogenic (1); Likely pathogenic (1). Last evaluated 2023-09-18.

Conditions:
Lynch syndrome 4 (LYNCH4). Also called: Colorectal cancer, hereditary nonpolyposis, type 4; Hereditary non-polyposis colorectal cancer, type 4. Identifiers: Orphanet 144, MedGen C1838333, MONDO:0013699, OMIM 614337. Disease mechanism: loss of function.

Submissions (2):

Myriad Genetics, Inc.
Classification: Pathogenic for Lynch syndrome 4. Last evaluated: 2023-09-18. Review status: criteria provided, single submitter. Criteria: Myriad Autosomal Dominant, Autosomal Recessive and X-Linked Classification Criteria (2023). Collection method: clinical testing. Allele origin: unknown.
Comment: This variant is considered pathogenic. This variant creates a termination codon and is predicted to result in premature protein truncation.

Quest Diagnostics Nichols Institute San Juan Capistrano
Classification: Likely pathogenic. Last evaluated: 2017-12-26. Review status: criteria provided, single submitter. Criteria: Quest Diagnostics criteria. Collection method: clinical testing. Allele origin: germline.